The following is an entry in ClinVar:

NM_000535.7(PMS2):c.23+8G>T

Gene: PMS2 (PMS1 homolog 2, mismatch repair system component; minus strand). Cytogenetic location: 7p22.1.
Variant type: single nucleotide variant.
Coding change: c.23+8G>T on transcript NM_000535.7 (MANE Select); 8 bases into the intron after coding-DNA position 23, G replaced by T.
Molecular consequence: intron variant. On other transcripts: 5 prime UTR variant (8).
Genome position (GRCh38, 1-based): chr7:6,008,989, C>A on the plus strand (G>T on the coding strand, the complement: PMS2 is on the minus strand). VCF-style: chr7-6008989-C-A. GRCh37 (hg19) VCF-style: chr7-6048620-C-A.
Other names: c.-565G>T (NM_001322005.2); c.-560G>T (NM_001322009.2, NM_001406897.1); c.-644G>T (NM_001406875.1, NM_001406882.1); c.-811G>T (NM_001406877.1); c.-512G>T (NM_001406894.1); c.-547G>T (NM_001406898.1); c.-53+8G>T (NM_001322008.2); c.-219+8G>T (NM_001406881.1); and 19 more.
Identifiers: ClinVar variation 3903981 (VCV003903981.1).

ClinVar aggregate classification (germline): Likely benign (1 of 4 stars; one submission).

Conditions:
Lynch syndrome 4 (LYNCH4). Also called: Colorectal cancer, hereditary nonpolyposis, type 4; Hereditary non-polyposis colorectal cancer, type 4. Identifiers: Orphanet 144, MedGen C1838333, MONDO:0013699, OMIM 614337. Disease mechanism: loss of function.

Submission:

Myriad Genetics, Inc.
Classification: Likely benign for Lynch syndrome 4. Last evaluated: 2025-01-23. Review status: criteria provided, single submitter. Criteria: Myriad Autosomal Dominant, Autosomal Recessive and X-Linked Classification Criteria (2023). Collection method: clinical testing. Allele origin: unknown.
Comment: This variant is considered likely benign. This variant is intronic and is not expected to impact mRNA splicing.